The following is an entry in ClinVar:

ClinVar aggregate classification (germline): Benign/Likely benign. Review status: criteria provided, multiple submitters, no conflicts (2 of 4 stars). 2 submissions from 2 submitters: Benign (1); Likely benign (1). Last evaluated 2026-04-01.

Allele frequency attached by ClinVar (database versions not stated): TOPMed 0.00012; gnomAD 0.00020.
gnomAD v4.1: 209 of 1,435,166 alleles (0.015%); highest among the groups gnomAD compares: Non-Finnish European, 0.018%; no homozygotes.

Submissions (2):

CeGaT Center for Human Genetics Tuebingen
Classification: Likely benign. Last evaluated: 2026-04-01. Review status: criteria provided, single submitter. Criteria: CeGaT Center For Human Genetics Tuebingen Variant Classification Criteria Version 2. Collection method: clinical testing. Allele origin: germline. Affected: yes. Observed: 1 variant allele.
Comment: CST3: BP4, BP7

Labcorp Genetics (formerly Invitae), Labcorp
Classification: Benign. Last evaluated: 2025-03-07. Review status: criteria provided, single submitter. Criteria: Invitae Variant Classification Sherloc (09022015). Collection method: clinical testing. Allele origin: germline.

NM_000099.4(CST3):c.18C>T (p.Arg6=)

Genes: CST3 (cystatin C; minus strand), LOC130065547 (ATAC-STARR-seq lymphoblastoid silent region 12734; plus strand). Cytogenetic location: 20p11.21.
Variant type: single nucleotide variant.
Coding change: c.18C>T on transcript NM_000099.4 (MANE Select); coding-DNA position 18, C replaced by T.
Protein change: p.Arg6=; no amino-acid change (arginine 6 retained).
Molecular consequence: synonymous variant.
Genome position (GRCh38, 1-based): chr20:23,637,845, G>A on the plus strand (C>T on the coding strand, the complement: CST3 is on the minus strand). VCF-style: chr20-23637845-G-A. GRCh37 (hg19) VCF-style: chr20-23618482-G-A.
Other names: c.18C>T, p.Arg6= (NM_001288614.2).
Identifiers: ClinVar variation 2721474 (VCV002721474.5), dbSNP rs746955131, ClinGen allele CA9790276.